The following is an entry in ClinVar:

ClinVar aggregate classification (germline): Uncertain significance (1 of 4 stars; one submission).

Conditions:
Hereditary cancer-predisposing syndrome. Also called: Hereditary Cancer Syndrome; Neoplastic Syndromes, Hereditary; Tumor predisposition; Hereditary neoplastic syndrome. Identifiers: Orphanet 140162, MedGen C0027672, MeSH D009386, MONDO:0015356.

Allele frequency attached by ClinVar (database versions not stated): gnomAD exomes below 0.00001.
gnomAD v4.1: 1 of 1,602,622 alleles (0.000062%); highest among the groups gnomAD compares: Non-Finnish European, 0.000086%; no homozygotes.

Submission:

Ambry Genetics
Classification: Uncertain significance for Hereditary cancer-predisposing syndrome. Last evaluated: 2020-03-29. Review status: criteria provided, single submitter. Criteria: Ambry Variant Classification Scheme 2023. Collection method: clinical testing. Allele origin: germline.
Comment: The p.A623T variant (also known as c.1867G>A), located in coding exon 15 of the MRE11A gene, results from a G to A substitution at nucleotide position 1867. The amino acid change results in alanine to threonine at codon 623, an amino acid with similar properties. However, this change occurs in the last base pair of coding exon 15, which makes it likely to have some effect on normal mRNA splicing. This nucleotide position is highly conserved in available vertebrate species. Using the BDGP and ESEfinder splice site prediction tools, this alteration is predicted to weaken the efficiency of the native splice donor site; however, direct evidence is unavailable. In addition, this alteration is predicted to be tolerated by in silico analysis. Since supporting evidence is limited at this time, the clinical significance of this alteration remains unclear.

NM_005591.4(MRE11):c.1867G>A (p.Ala623Thr)

Gene: MRE11 (MRE11 double strand break repair nuclease; minus strand). Cytogenetic location: 11q21.
Variant type: single nucleotide variant.
Coding change: c.1867G>A on transcript NM_005591.4 (MANE Select); coding-DNA position 1867, G replaced by A.
Protein change: p.Ala623Thr; replaces alanine 623 with threonine.
Molecular consequence: missense variant. On other transcripts: intron variant (1).
Genome position (GRCh38, 1-based): chr11:94,445,810, C>T on the plus strand (G>A on the coding strand, the complement: MRE11 is on the minus strand). VCF-style: chr11-94445810-C-T. GRCh37 (hg19) VCF-style: chr11-94178976-C-T.
Other names: c.1864G>A, p.Ala622Thr (NM_001330347.2); c.1783+1409G>A (NM_005590.4); short protein forms A623T, A622T.
Identifiers: ClinVar variation 479771 (VCV000479771.5), dbSNP rs1312071883, ClinGen allele CA382366186.